The following is an entry in ClinVar:

NM_004850.5(ROCK2):c.1292C>A (p.Thr431Asn)

Gene: ROCK2 (Rho associated coiled-coil containing protein kinase 2; minus strand). Cytogenetic location: 2p25.1.
Variant type: single nucleotide variant.
Coding change: c.1292C>A on transcript NM_004850.5 (MANE Select); coding-DNA position 1292, C replaced by A.
Protein change: p.Thr431Asn; replaces threonine 431 with asparagine.
Molecular consequence: missense variant.
Genome position (GRCh38, 1-based): chr2:11,218,994, G>T on the plus strand (C>A on the coding strand, the complement: ROCK2 is on the minus strand). VCF-style: chr2-11218994-G-T. GRCh37 (hg19) VCF-style: chr2-11359120-G-T.
Other names: c.1034C>A, p.Thr345Asn (NM_001321643.2); short protein forms T431N, T345N.
Identifiers: ClinVar variation 403387 (VCV000403387.5), dbSNP rs2230774, ClinGen allele CA1530417.

ClinVar aggregate classification (germline): Benign. Review status: criteria provided, multiple submitters, no conflicts (2 of 4 stars). 2 submissions from 2 submitters: Benign (2). Last evaluated 2016-03-29.

Allele frequency attached by ClinVar (database versions not stated): 1000 Genomes Project 0.39976; 1000 Genomes Project 30x 0.40428; TOPMed 0.44450; ESP Exome Variant Server 0.45054; gnomAD 0.45408 and 0.45592; gnomAD exomes 0.48604; ExAC 0.49815.
gnomAD v4.1: 702,033 of 1,421,884 alleles (49%); highest among the groups gnomAD compares: Admixed American, 54%; 179,796 homozygotes.

Submissions (2):

Laboratory for Molecular Medicine, Mass General Brigham Personalized Medicine
Classification: Benign. Last evaluated: 2016-03-29. Review status: criteria provided, single submitter. Criteria: LMM Criteria. Collection method: clinical testing. Allele origin: germline.
Comment: Variant identified in a genome or exome case(s) and assessed due to predicted null impact of the variant or pathogenic assertions in the literature or databases. Disclaimer: This variant has not undergone full assessment. The following are preliminary notes: Frequency, variant associated with chronic kidney disease

Breakthrough Genomics
Classification: Benign. Review status: criteria provided, single submitter. Criteria: ACMG Guidelines, 2015. Collection method: not provided. Allele origin: germline. Inheritance: Unknown mechanism. Affected: yes.